The following is an entry in ClinVar:

NM_002857.4(PEX19):c.45C>G (p.Asp15Glu)

Gene: PEX19 (peroxisomal biogenesis factor 19; minus strand). Cytogenetic location: 1q23.2.
Variant type: single nucleotide variant.
Coding change: c.45C>G on transcript NM_002857.4 (MANE Select); coding-DNA position 45, C replaced by G.
Protein change: p.Asp15Glu; replaces aspartic acid 15 with glutamic acid.
Molecular consequence: missense variant. On other transcripts: non-coding transcript variant (2).
Genome position (GRCh38, 1-based): chr1:160,285,080, G>C on the plus strand (C>G on the coding strand, the complement: PEX19 is on the minus strand). VCF-style: chr1-160285080-G-C. GRCh37 (hg19) VCF-style: chr1-160254870-G-C.
Other names: c.45C>G, p.Asp15Glu (NM_001193644.1); short protein forms D15E.
Identifiers: ClinVar variation 1427109 (VCV001427109.8), dbSNP rs2101810529, ClinGen allele CA343265886.
Genomic context (GRCh38, chr1:160,285,080, plus strand): 5'-GCCCTCTTCGGGCCTTTCCCACTATGGGCTCTTACTTTCCAGAAGCTCCTCCAATTCCCT[G>C]TCCGCTTCGGCCCCGACACTACAGCCTTCCTCAGCGGCGGCCATCTTGCTACCTCCGACT-3'
Protein context (NP_002848.1, residues 5-25): EEGCSVGAEA[Asp15Glu]RELEELLESA

ClinVar aggregate classification (germline): Uncertain significance (1 of 4 stars; one submission).

Conditions:
Peroxisome biogenesis disorder 12A (Zellweger). Also called: Peroxisome biogenesis disorder 12A. Identifiers: Orphanet 912, MedGen C3554002, MONDO:0013951, OMIM 614886.

Allele frequency attached by ClinVar (database versions not stated): gnomAD exomes below 0.00001.
gnomAD v4.1: 1 of 1,613,828 alleles (0.000062%); highest among the groups gnomAD compares: Non-Finnish European, 0.000085%; no homozygotes.

Submission:

Labcorp Genetics (formerly Invitae), Labcorp
Classification: Uncertain significance for Peroxisome biogenesis disorder 12A (Zellweger). Last evaluated: 2022-06-13. Review status: criteria provided, single submitter. Criteria: Invitae Variant Classification Sherloc (09022015). Collection method: clinical testing. Allele origin: germline.
Comment: In summary, the available evidence is currently insufficient to determine the role of this variant in disease. Therefore, it has been classified as a Variant of Uncertain Significance. Algorithms developed to predict the effect of missense changes on protein structure and function (SIFT, PolyPhen-2, Align-GVGD) all suggest that this variant is likely to be tolerated. This variant has not been reported in the literature in individuals affected with PEX19-related conditions. This variant is not present in population databases (gnomAD no frequency). This sequence change replaces aspartic acid, which is acidic and polar, with glutamic acid, which is acidic and polar, at codon 15 of the PEX19 protein (p.Asp15Glu).